The following is an entry in ClinVar:

NM_025099.6(CTC1):c.*1369A>G

Gene: CTC1 (CST telomere replication complex component 1; minus strand). Cytogenetic location: 17p13.1.
Variant type: single nucleotide variant.
Coding change: c.*1369A>G on transcript NM_025099.6 (MANE Select); 1369 bases downstream of the stop codon, A replaced by G.
Molecular consequence: 3 prime UTR variant. On other transcripts: non-coding transcript variant (1).
Genome position (GRCh38, 1-based): chr17:8,226,811, T>C on the plus strand (A>G on the coding strand, the complement: CTC1 is on the minus strand). VCF-style: chr17-8226811-T-C. GRCh37 (hg19) VCF-style: chr17-8130129-T-C.
Identifiers: ClinVar variation 890472 (VCV000890472.4), dbSNP rs150798403, ClinGen allele CA287527857.

ClinVar aggregate classification (germline): Likely benign (1 of 4 stars; one submission).

Conditions:
Dyskeratosis congenita. Identifiers: Orphanet 1775, MedGen C0265965, MONDO:0015780.

Allele frequency attached by ClinVar (database versions not stated): 1000 Genomes Project 0.00180; gnomAD 0.00229 and 0.00246; 1000 Genomes Project 30x 0.00234; TOPMed 0.00272.
gnomAD v4.1: 343 of 152,268 alleles (0.23%); highest among the groups gnomAD compares: African/African-American, 0.75%; no homozygotes.

Submission:

Illumina Laboratory Services, Illumina
Classification: Likely benign for Dyskeratosis congenita. Last evaluated: 2018-01-12. Review status: criteria provided, single submitter. Criteria: ICSL Variant Classification Criteria 13 December 2019. Collection method: clinical testing. Allele origin: germline.
Comment: This variant was observed in the ICSL laboratory as part of a predisposition screen in an ostensibly healthy population. It had not been previously curated by ICSL or reported in the Human Gene Mutation Database (HGMD: prior to June 1st, 2018), and was therefore a candidate for classification through an automated scoring system. Utilizing variant allele frequency, disease prevalence and penetrance estimates, and inheritance mode, an automated score was calculated to assess if this variant is too frequent to cause the disease. Based on the score and internal cut-off values, a variant classified as likely benign is not then subjected to further curation. The score for this variant resulted in a classification of likely benign for this disease.